The following is an entry in ClinVar:

ClinVar aggregate classification (germline): Likely benign (1 of 4 stars; one submission).

Conditions:
NCOA1-related disorder. Also called: NCOA1-related condition.

gnomAD v4.1: 2 of 1,614,116 alleles (0.00012%); highest among the groups gnomAD compares: Admixed American, 0.0017%; no homozygotes.

Submission:

PreventionGenetics, part of Exact Sciences
Classification: Likely benign for NCOA1-related condition. Last evaluated: 2025-11-05. Review status: criteria provided, single submitter. Criteria: ACMG Guidelines, 2015. Collection method: clinical testing. Allele origin: germline.
Comment: This variant is classified as likely benign based on ACMG/AMP sequence variant interpretation guidelines (Richards et al. 2015 PMID: 25741868, with internal and published modifications).

NM_003743.5(NCOA1):c.2349A>G (p.Pro783=)

Gene: NCOA1 (nuclear receptor coactivator 1; plus strand). Cytogenetic location: 2p23.3.
Variant type: single nucleotide variant.
Coding change: c.2349A>G on transcript NM_003743.5 (MANE Select); coding-DNA position 2349, A replaced by G.
Protein change: p.Pro783=; no amino-acid change (proline 783 retained).
Molecular consequence: synonymous variant.
Genome position (GRCh38, 1-based): chr2:24,707,819, A>G. VCF-style: chr2-24707819-A-G. GRCh37 (hg19) VCF-style: chr2-24930688-A-G.
Other names: c.2349A>G, p.Pro783= (NM_001362950.1, NM_001362952.1, NM_001362954.1 and 3 more transcripts).
Identifiers: ClinVar variation 4979618 (VCV004979618.1).